The following is an entry in ClinVar:

ClinVar aggregate classification (germline): Uncertain significance (1 of 4 stars; one submission).

Conditions:
Pityriasis rubra pilaris (PRP). Also called: Pityriasis rubra pilaris--familial type. Identifiers: Orphanet 2897, MedGen C0032027, MONDO:0100017, OMIM 173200, MONDO:0008251.
Psoriasis 2. Identifiers: MedGen C1864497, MONDO:0011269, OMIM 602723.

gnomAD v4.1: 9 of 1,598,344 alleles (0.00056%); highest among the groups gnomAD compares: African/African-American, 0.0013%; no homozygotes.

Submission:

Labcorp Genetics (formerly Invitae), Labcorp
Classification: Uncertain significance for Pityriasis rubra pilaris; Psoriasis 2. Last evaluated: 2022-09-08. Review status: criteria provided, single submitter. Criteria: Invitae Variant Classification Sherloc (09022015). Collection method: clinical testing. Allele origin: germline.
Comment: In summary, the available evidence is currently insufficient to determine the role of this variant in disease. Therefore, it has been classified as a Variant of Uncertain Significance. Algorithms developed to predict the effect of missense changes on protein structure and function are either unavailable or do not agree on the potential impact of this missense change (SIFT: "Deleterious"; PolyPhen-2: "Benign"; Align-GVGD: "Class C0"). ClinVar contains an entry for this variant (Variation ID: 1373433). This variant has not been reported in the literature in individuals affected with CARD14-related conditions. This variant is present in population databases (rs754681974, gnomAD 0.0009%). This sequence change replaces isoleucine, which is neutral and non-polar, with phenylalanine, which is neutral and non-polar, at codon 773 of the CARD14 protein (p.Ile773Phe).

NM_001366385.1(CARD14):c.2317A>T (p.Ile773Phe)

Genes: CARD14 (caspase recruitment domain family member 14; plus strand), SGSH (N-sulfoglucosamine sulfohydrolase; minus strand). Cytogenetic location: 17q25.3.
Variant type: single nucleotide variant.
Coding change: c.2317A>T on transcript NM_001366385.1 (MANE Select); coding-DNA position 2317, A replaced by T.
Protein change: p.Ile773Phe; replaces isoleucine 773 with phenylalanine.
Molecular consequence: missense variant. On other transcripts: non-coding transcript variant (1).
Genome position (GRCh38, 1-based): chr17:80,204,260, A>T. VCF-style: chr17-80204260-A-T. GRCh37 (hg19) VCF-style: chr17-78178059-A-T.
Other names: c.2317A>T, p.Ile773Phe (NM_024110.4); short protein forms I773F.
Identifiers: ClinVar variation 1373433 (VCV001373433.6), dbSNP rs754681974, ClinGen allele CA8817273.